The following is an entry in ClinVar:

NM_006383.4(CIB2):c.473T>G (p.Leu158Trp)

Gene: CIB2 (calcium and integrin binding family member 2; minus strand). Cytogenetic location: 15q25.1.
Variant type: single nucleotide variant.
Coding change: c.473T>G on transcript NM_006383.4 (MANE Select); coding-DNA position 473, T replaced by G.
Protein change: p.Leu158Trp; replaces leucine 158 with tryptophan.
Molecular consequence: missense variant. On other transcripts: non-coding transcript variant (1).
Genome position (GRCh38, 1-based): chr15:78,105,808, A>C on the plus strand (T>G on the coding strand, the complement: CIB2 is on the minus strand). VCF-style: chr15-78105808-A-C. GRCh37 (hg19) VCF-style: chr15-78398150-A-C.
Other names: c.473T>G (NM_006383.2); c.344T>G, p.Leu115Trp (NM_001271888.2); c.326T>G, p.Leu109Trp (NM_001271889.2); c.488T>G, p.Leu163Trp (NM_001301224.2); short protein forms L158W, L115W, L163W, L109W.
Identifiers: ClinVar variation 287702 (VCV000287702.15), dbSNP rs200331478, ClinGen allele CA7680164.

ClinVar aggregate classification (germline): Uncertain significance. Review status: criteria provided, multiple submitters, no conflicts (2 of 4 stars). 6 submissions from 6 submitters: Uncertain significance (6). Last evaluated 2026-04-01.

Conditions:
Inborn genetic diseases. Identifiers: MedGen C0950123, MeSH D030342.
CIB2-related disorder. Also called: CIB2-related condition.

Allele frequency attached by ClinVar (database versions not stated): ExAC 0.00008; ESP Exome Variant Server 0.00008; gnomAD exomes 0.00012 and 0.00036; gnomAD 0.00014 and 0.00015; TOPMed 0.00014.
gnomAD v4.1: 533 of 1,614,060 alleles (0.033%); highest among the groups gnomAD compares: Non-Finnish European, 0.044%; no homozygotes.

Submissions (6):

PreventionGenetics, part of Exact Sciences
Classification: Uncertain significance for CIB2-related condition. Last evaluated: 2026-04-01. Review status: criteria provided, single submitter. Criteria: ACMG Guidelines, 2015. Collection method: clinical testing. Allele origin: germline.
Comment: The CIB2 c.473T>G variant is predicted to result in the amino acid substitution p.Leu158Trp. To our knowledge, this variant has not been reported in the literature. This variant is reported in 0.026% of alleles in individuals of European (Non-Finnish) descent in gnomAD. At this time, the clinical significance of this variant is uncertain due to the absence of conclusive functional and genetic evidence.

Blueprint Genetics
Classification: Uncertain significance. Last evaluated: 2024-08-12. Review status: criteria provided, single submitter. Criteria: ACMG Guidelines, 2015. Collection method: clinical testing. Allele origin: germline.

GeneDx
Classification: Uncertain significance. Last evaluated: 2023-07-14. Review status: criteria provided, single submitter. Criteria: GeneDx Variant Classification Process June 2021. Collection method: clinical testing. Allele origin: germline.
Comment: In silico analysis supports that this missense variant has a deleterious effect on protein structure/function; Has not been previously published as pathogenic or benign to our knowledge

Labcorp Genetics (formerly Invitae), Labcorp
Classification: Uncertain significance. Last evaluated: 2022-07-06. Review status: criteria provided, single submitter. Criteria: Invitae Variant Classification Sherloc (09022015). Collection method: clinical testing. Allele origin: germline.
Comment: This sequence change replaces leucine, which is neutral and non-polar, with tryptophan, which is neutral and slightly polar, at codon 158 of the CIB2 protein (p.Leu158Trp). This variant is present in population databases (rs200331478, gnomAD 0.02%). This variant has not been reported in the literature in individuals affected with CIB2-related conditions. ClinVar contains an entry for this variant (Variation ID: 287702). Algorithms developed to predict the effect of missense changes on protein structure and function are either unavailable or do not agree on the potential impact of this missense change (SIFT: "Deleterious"; PolyPhen-2: "Probably Damaging"; Align-GVGD: "Class C15"). In summary, the available evidence is currently insufficient to determine the role of this variant in disease. Therefore, it has been classified as a Variant of Uncertain Significance.

Ambry Genetics
Classification: Uncertain significance for Inborn genetic diseases. Last evaluated: 2021-08-09. Review status: criteria provided, single submitter. Criteria: Ambry Variant Classification Scheme 2023. Collection method: clinical testing. Allele origin: germline.

Eurofins Ntd Llc (ga)
Classification: Uncertain significance. Last evaluated: 2016-05-24. Review status: criteria provided, single submitter. Criteria: EGL Classification Definitions 2015. Collection method: clinical testing. Allele origin: germline. Observed: 1 variant allele, 1 heterozygote.